The following is an entry in ClinVar:

ClinVar aggregate classification (germline): Conflicting classifications of pathogenicity. Review status: criteria provided, conflicting classifications (1 of 4 stars). 2 submissions from 2 submitters: Uncertain significance (1); Likely benign (1). Last evaluated 2026-06-29.

Conditions:
Hereditary cancer-predisposing syndrome. Also called: Hereditary Cancer Syndrome; Neoplastic Syndromes, Hereditary; Hereditary neoplastic syndrome; Tumor predisposition. Identifiers: Orphanet 140162, MedGen C0027672, MeSH D009386, MONDO:0015356.

Submissions (2):

Ambry Genetics
Classification: Likely benign for Hereditary cancer-predisposing syndrome. Last evaluated: 2026-06-29. Review status: criteria provided, single submitter. Criteria: Ambry Variant Classification Scheme 2023. Collection method: clinical testing. Allele origin: germline.

Labcorp Genetics (formerly Invitae), Labcorp
Classification: Uncertain significance. Last evaluated: 2024-10-19. Review status: criteria provided, single submitter. Criteria: Invitae Variant Classification Sherloc (09022015). Collection method: clinical testing. Allele origin: germline.
Comment: This sequence change replaces asparagine, which is neutral and polar, with lysine, which is basic and polar, at codon 284 of the CTNNA1 protein (p.Asn284Lys). This variant is not present in population databases (gnomAD no frequency). This variant has not been reported in the literature in individuals affected with CTNNA1-related conditions. ClinVar contains an entry for this variant (Variation ID: 1415039). Invitae Evidence Modeling of protein sequence and biophysical properties (such as structural, functional, and spatial information, amino acid conservation, physicochemical variation, residue mobility, and thermodynamic stability) indicates that this missense variant is not expected to disrupt CTNNA1 protein function with a negative predictive value of 80%. In summary, the available evidence is currently insufficient to determine the role of this variant in disease. Therefore, it has been classified as a Variant of Uncertain Significance.

NM_001903.5(CTNNA1):c.852C>G (p.Asn284Lys)

Gene: CTNNA1 (catenin alpha 1; plus strand). Cytogenetic location: 5q31.2.
Variant type: single nucleotide variant.
Coding change: c.852C>G on transcript NM_001903.5 (MANE Select); coding-DNA position 852, C replaced by G.
Protein change: p.Asn284Lys; replaces asparagine 284 with lysine.
Molecular consequence: missense variant.
Genome position (GRCh38, 1-based): chr5:138,824,793, C>G. VCF-style: chr5-138824793-C-G. GRCh37 (hg19) VCF-style: chr5-138160482-C-G.
Other names: c.852C>G, p.Asn284Lys (NM_001290307.3, NM_001323982.2, NM_001323983.1 and 3 more transcripts); c.543C>G, p.Asn181Lys (NM_001290309.3); c.483C>G, p.Asn161Lys (NM_001290310.3); c.852C>G (NM_001903.2); short protein forms N284K, N161K, N181K.
Identifiers: ClinVar variation 1415039 (VCV001415039.8), dbSNP rs2149776782, ClinGen allele CA361130320.
Genomic context (GRCh38, chr5:138,824,793, plus strand): 5'-AGACGATGCCTCACAGCACCAGGGTGGAGGAGGAGGAGAACTGGCATATGCACTCAATAA[C>G]TTTGACGTAAGTTATGCTTGGGTGGAAATTTCCAGCTCTTGACCATCCCCCAAAAGATAA-3'
Protein context (NP_001894.2, residues 274-294): GGGELAYALN[Asn284Lys]FDKQIIVDPL